The following is an entry in ClinVar:

ClinVar aggregate classification (germline): Uncertain significance (1 of 4 stars; one submission).

Conditions:
Combined immunodeficiency with skin granulomas. Identifiers: Orphanet 157949, MedGen C2673536, MONDO:0009306, OMIM 233650.
Severe combined immunodeficiency, autosomal recessive, T cell-negative, B cell-negative, NK cell-positive. Also called: Severe combined immunodeficiency due to complete RAG1/2 deficiency; SCID, T CELL-NEGATIVE, B CELL-NEGATIVE, NK CELL-POSITIVE; SCID, AR, T-cell negative, B-cell negative, NK cell-positive. Identifiers: Orphanet 331206, MedGen C1832322, MONDO:0011086, OMIM 601457.

Allele frequency attached by ClinVar (database versions not stated): gnomAD 0.00001; gnomAD exomes 0.00001; TOPMed 0.00002.
gnomAD v4.1: 11 of 1,613,812 alleles (0.00068%); highest among the groups gnomAD compares: Admixed American, 0.0017%; no homozygotes.

Submission:

Labcorp Genetics (formerly Invitae), Labcorp
Classification: Uncertain significance for Combined immunodeficiency with skin granulomas; Severe combined immunodeficiency, autosomal recessive, T cell-negative, B cell-negative, NK cell-positive. Last evaluated: 2022-01-25. Review status: criteria provided, single submitter. Criteria: Invitae Variant Classification Sherloc (09022015). Collection method: clinical testing. Allele origin: germline.
Comment: This sequence change replaces proline, which is neutral and non-polar, with leucine, which is neutral and non-polar, at codon 241 of the RAG2 protein (p.Pro241Leu). This variant is present in population databases (no rsID available, gnomAD 0.007%). This variant has not been reported in the literature in individuals affected with RAG2-related conditions. Algorithms developed to predict the effect of missense changes on protein structure and function are either unavailable or do not agree on the potential impact of this missense change (SIFT: "Deleterious"; PolyPhen-2: "Probably Damaging"; Align-GVGD: "Class C0"). In summary, the available evidence is currently insufficient to determine the role of this variant in disease. Therefore, it has been classified as a Variant of Uncertain Significance.

NM_000536.4(RAG2):c.722C>T (p.Pro241Leu)

Gene: RAG2 (recombination activating 2; minus strand). Cytogenetic location: 11p12.
Variant type: single nucleotide variant.
Coding change: c.722C>T on transcript NM_000536.4 (MANE Select); coding-DNA position 722, C replaced by T.
Protein change: p.Pro241Leu; replaces proline 241 with leucine.
Molecular consequence: missense variant.
Genome position (GRCh38, 1-based): chr11:36,593,447, G>A on the plus strand (C>T on the coding strand, the complement: RAG2 is on the minus strand). VCF-style: chr11-36593447-G-A. GRCh37 (hg19) VCF-style: chr11-36614997-G-A.
Other names: c.722C>T, p.Pro241Leu (NM_001243785.2, NM_001243786.2); short protein forms P241L.
Identifiers: ClinVar variation 2077258 (VCV002077258.1), dbSNP rs1238278809, ClinGen allele CA380142247.